The following is an entry in ClinVar:

ClinVar aggregate classification (germline): Likely benign (1 of 4 stars; one submission).

gnomAD v4.1: 12,958 of 1,466,198 alleles (0.88%); highest among the groups gnomAD compares: African/African-American, 1.5%; 71 homozygotes.

Submission:

GeneDx
Classification: Likely benign. Last evaluated: 2021-05-14. Review status: criteria provided, single submitter. Criteria: GeneDx Variant Classification Process June 2021. Collection method: clinical testing. Allele origin: germline. Affected: yes.
Comment: See Variant Classification Assertion Criteria.

NM_014384.3(ACAD8):c.1195+198G>A

Gene: ACAD8 (acyl-CoA dehydrogenase family member 8; plus strand). Cytogenetic location: 11q25.
Variant type: single nucleotide variant.
Coding change: c.1195+198G>A on transcript NM_014384.3 (MANE Select); 198 bases into the intron after coding-DNA position 1195, G replaced by A.
Molecular consequence: intron variant.
Genome position (GRCh38, 1-based): chr11:134,262,820, G>A. VCF-style: chr11-134262820-G-A. GRCh37 (hg19) VCF-style: chr11-134132714-G-A.
Other names: c.901+198G>A (NM_001441138.1); c.1195+198G>A (NM_001441136.1).
Identifiers: ClinVar variation 4813955 (VCV004813955.1).